The following is an entry in ClinVar:

NM_001326411.2(PISD):c.704C>T (p.Ser235Leu)

Gene: PISD (phosphatidylserine decarboxylase; minus strand). Cytogenetic location: 22q12.2.
Variant type: single nucleotide variant.
Coding change: c.704C>T on transcript NM_001326411.2 (MANE Select); coding-DNA position 704, C replaced by T.
Protein change: p.Ser235Leu; replaces serine 235 with leucine.
Molecular consequence: missense variant.
Genome position (GRCh38, 1-based): chr22:31,621,136, G>A on the plus strand (C>T on the coding strand, the complement: PISD is on the minus strand). VCF-style: chr22-31621136-G-A. GRCh37 (hg19) VCF-style: chr22-32017122-G-A.
Other names: c.641C>T, p.Ser214Leu (NM_001326412.1, NM_001326413.2, NM_001326414.2); c.602C>T, p.Ser201Leu (NM_001326415.2, NM_001326416.2, NM_001326417.2 and 3 more transcripts); c.524C>T, p.Ser175Leu (NM_001326418.2, NM_001326420.2); c.704C>T, p.Ser235Leu (NM_001326421.1); c.602C>T (NM_014338.3); short protein forms S201L, S235L, S175L, S214L.
Identifiers: ClinVar variation 2907041 (VCV002907041.2), dbSNP rs771449559, ClinGen allele CA10194675.

ClinVar aggregate classification (germline): Uncertain significance. Review status: criteria provided, multiple submitters, no conflicts (2 of 4 stars). 2 submissions from 2 submitters: Uncertain significance (2). Last evaluated 2024-04-23.

Conditions:
Inborn genetic diseases. Identifiers: MedGen C0950123, MeSH D030342.

Allele frequency attached by ClinVar (database versions not stated): ExAC 0.00006.
gnomAD v4.1: 44 of 1,614,056 alleles (0.0027%); highest among the groups gnomAD compares: Admixed American, 0.023%; no homozygotes.

Submissions (2):

Ambry Genetics
Classification: Uncertain significance for Inborn genetic diseases. Last evaluated: 2024-04-23. Review status: criteria provided, single submitter. Criteria: Ambry Variant Classification Scheme 2023. Collection method: clinical testing. Allele origin: germline.

Labcorp Genetics (formerly Invitae), Labcorp
Classification: Uncertain significance. Last evaluated: 2023-10-27. Review status: criteria provided, single submitter. Criteria: Invitae Variant Classification Sherloc (09022015). Collection method: clinical testing. Allele origin: germline.
Comment: This sequence change replaces serine, which is neutral and polar, with leucine, which is neutral and non-polar, at codon 235 of the PISD protein (p.Ser235Leu). This variant is present in population databases (rs771449559, gnomAD 0.03%). This variant has not been reported in the literature in individuals affected with PISD-related conditions. Advanced modeling of protein sequence and biophysical properties (such as structural, functional, and spatial information, amino acid conservation, physicochemical variation, residue mobility, and thermodynamic stability) performed at Invitae indicates that this missense variant is not expected to disrupt PISD protein function with a negative predictive value of 80%. In summary, the available evidence is currently insufficient to determine the role of this variant in disease. Therefore, it has been classified as a Variant of Uncertain Significance.